The following is an entry in ClinVar:

ClinVar aggregate classification (germline): Uncertain significance (1 of 4 stars; one submission).

Submission:

GeneDx
Classification: Uncertain significance. Last evaluated: 2026-02-28. Review status: criteria provided, single submitter. Criteria: GeneDx Variant Classification Process June 2021. Collection method: clinical testing. Allele origin: germline.
Comment: Not observed at significant frequency in large population cohorts (gnomAD); In silico analysis suggests that this missense variant does not alter protein structure/function; Has not been previously published as pathogenic or benign to our knowledge

NM_001318852.2(MAPK8IP3):c.25G>T (p.Gly9Cys)

Gene: MAPK8IP3 (mitogen-activated protein kinase 8 interacting protein 3; plus strand). Cytogenetic location: 16p13.3.
Variant type: single nucleotide variant.
Coding change: c.25G>T on transcript NM_001318852.2 (MANE Select); coding-DNA position 25, G replaced by T.
Protein change: p.Gly9Cys; replaces glycine 9 with cysteine.
Molecular consequence: missense variant.
Genome position (GRCh38, 1-based): chr16:1,706,364, G>T. VCF-style: chr16-1706364-G-T. GRCh37 (hg19) VCF-style: chr16-1756365-G-T.
Other names: c.25G>T, p.Gly9Cys (NM_001040439.2, NM_015133.5); short protein forms G9C.
Identifiers: ClinVar variation 5007955 (VCV005007955.1).